The following is an entry in ClinVar:

NM_177550.5(SLC13A5):c.1645C>T (p.Arg549Trp)

Gene: SLC13A5 (solute carrier family 13 member 5; minus strand). Cytogenetic location: 17p13.1.
Variant type: single nucleotide variant.
Coding change: c.1645C>T on transcript NM_177550.5 (MANE Select); coding-DNA position 1645, C replaced by T.
Protein change: p.Arg549Trp; replaces arginine 549 with tryptophan.
Molecular consequence: missense variant.
Genome position (GRCh38, 1-based): chr17:6,686,269, G>A on the plus strand (C>T on the coding strand, the complement: SLC13A5 is on the minus strand). VCF-style: chr17-6686269-G-A. GRCh37 (hg19) VCF-style: chr17-6589588-G-A.
Other names: c.1507C>T, p.Arg503Trp (NM_001143838.3); c.1594C>T, p.Arg532Trp (NM_001284509.2); c.1516C>T, p.Arg506Trp (NM_001284510.2); short protein forms R532W, R506W, R549W, R503W.
Identifiers: ClinVar variation 951028 (VCV000951028.6), dbSNP rs770090939, ClinGen allele CA8331302.
Genomic context (GRCh38, chr17:6,686,269, plus strand): 5'-AAGTCTCAATATGTGTCACATTAGCCCAGTCAGGGAAATGATCCAAGTCAAATATGGCCC[G>A]TCCCCAGGTGTTGACAGCCAAAAACACACAGAAGACTCCAATTATGTTCATTATGACTCC-3'
Protein context (NP_808218.1, residues 539-559): CVFLAVNTWG[Arg549Trp]AIFDLDHFPD

ClinVar aggregate classification (germline): Uncertain significance. Review status: criteria provided, multiple submitters, no conflicts (2 of 4 stars). 2 submissions from 2 submitters: Uncertain significance (2). Last evaluated 2024-01-30.

Conditions:
Developmental and epileptic encephalopathy, 25 (DEE25). Also called: Epileptic encephalopathy, early infantile, 25; Developmental and epileptic encephalopathy 25, with amelogenesis imperfecta; Epileptic encephalopathy, early infantile, 25, with amelogenesis imperfecta. Identifiers: Orphanet 442835, MedGen C4014621, MONDO:0014392, OMIM 615905.

Allele frequency attached by ClinVar (database versions not stated): TOPMed 0.00002; ExAC 0.00003; gnomAD 0.00003; gnomAD exomes 0.00003.
gnomAD v4.1: 61 of 1,614,098 alleles (0.0038%); highest among the groups gnomAD compares: Middle Eastern, 0.016%; no homozygotes.

Submissions (2):

Blueprint Genetics
Classification: Uncertain significance. Last evaluated: 2024-01-30. Review status: criteria provided, single submitter. Criteria: ACMG Guidelines, 2015. Collection method: clinical testing. Allele origin: germline.

Labcorp Genetics (formerly Invitae), Labcorp
Classification: Uncertain significance for Developmental and epileptic encephalopathy, 25. Last evaluated: 2022-08-16. Review status: criteria provided, single submitter. Criteria: Invitae Variant Classification Sherloc (09022015). Collection method: clinical testing. Allele origin: germline.
Comment: This sequence change replaces arginine, which is basic and polar, with tryptophan, which is neutral and slightly polar, at codon 549 of the SLC13A5 protein (p.Arg549Trp). This variant is present in population databases (rs770090939, gnomAD 0.01%). This variant has not been reported in the literature in individuals affected with SLC13A5-related conditions. ClinVar contains an entry for this variant (Variation ID: 951028). Algorithms developed to predict the effect of missense changes on protein structure and function are either unavailable or do not agree on the potential impact of this missense change (SIFT: "Deleterious"; PolyPhen-2: "Benign"; Align-GVGD: "Class C0"). In summary, the available evidence is currently insufficient to determine the role of this variant in disease. Therefore, it has been classified as a Variant of Uncertain Significance.